The following is an entry in ClinVar:

NM_003560.4(PLA2G6):c.1556G>C (p.Ser519Thr)

Gene: PLA2G6 (phospholipase A2 group VI; minus strand). Cytogenetic location: 22q13.1.
Variant type: single nucleotide variant.
Coding change: c.1556G>C on transcript NM_003560.4 (MANE Select); coding-DNA position 1556, G replaced by C.
Protein change: p.Ser519Thr; replaces serine 519 with threonine.
Molecular consequence: missense variant.
Genome position (GRCh38, 1-based): chr22:38,123,130, C>G on the plus strand (G>C on the coding strand, the complement: PLA2G6 is on the minus strand). VCF-style: chr22-38123130-C-G. GRCh37 (hg19) VCF-style: chr22-38519137-C-G.
Other names: c.1394G>C, p.Ser465Thr (NM_001004426.3, NM_001199562.3, NM_001349865.2 and 1 more transcripts); c.1556G>C, p.Ser519Thr (NM_001349864.2); c.1022G>C, p.Ser341Thr (NM_001349867.2); c.878G>C, p.Ser293Thr (NM_001349868.2); c.860G>C, p.Ser287Thr (NM_001349869.2); c.1556G>C (NM_003560.2); short protein forms S287T, S293T, S341T, S465T, S519T.
Identifiers: ClinVar variation 1687246 (VCV001687246.3), dbSNP rs2145721790, ClinGen allele CA411527833.

ClinVar aggregate classification (germline): Uncertain significance. Review status: criteria provided, multiple submitters, no conflicts (2 of 4 stars). 2 submissions from 2 submitters: Uncertain significance (2). Last evaluated 2024-05-22.

Conditions:
Infantile neuroaxonal dystrophy (NBIA2A). Also called: NEURODEGENERATION WITH BRAIN IRON ACCUMULATION 2A; SEITELBERGER DISEASE; Infantile neuroaxonal dystrophy 1. Identifiers: Orphanet 35069, MedGen C0270724, MONDO:0024457, OMIM 256600.

Allele frequency attached by ClinVar (database versions not stated): gnomAD exomes below 0.00001.
gnomAD v4.1: 2 of 1,549,924 alleles (0.00013%); highest among the groups gnomAD compares: Non-Finnish European, 0.00017%; no homozygotes.

Submissions (2):

GeneDx
Classification: Uncertain significance. Last evaluated: 2024-05-22. Review status: criteria provided, single submitter. Criteria: GeneDx Variant Classification Process June 2021. Collection method: clinical testing. Allele origin: germline. Affected: yes.
Comment: Not observed at significant frequency in large population cohorts (gnomAD); In silico analysis supports that this missense variant has a deleterious effect on protein structure/function; Has not been previously published as pathogenic or benign to our knowledge

3billion
Classification: Uncertain significance for Infantile neuroaxonal dystrophy. Last evaluated: 2022-05-22. Review status: criteria provided, single submitter. Criteria: ACMG Guidelines, 2015. Collection method: clinical testing. Allele origin: germline. Affected: yes. Observed: 1 homozygote.
Comment: The variant is not observed in the gnomAD v2.1.1 dataset. Missense changes are a common disease-causing mechanism. In silico tool predictions suggest damaging effect of the variant on gene or gene product (REVEL: 0.89; 3Cnet: 0.98). Therefore, this variant is classified as uncertain significanceaccording to the recommendation of ACMG/AMP guideline.